The following is an entry in ClinVar:

ClinVar aggregate classification (germline): Uncertain significance (1 of 4 stars; one submission).

Conditions:
Wilms tumor 1 (WT1). Also called: Wilms tumor, somatic. Identifiers: Orphanet 654, MedGen CN033288, MONDO:0008679, OMIM 194070.

Allele frequency attached by ClinVar (database versions not stated): TOPMed below 0.00001; gnomAD 0.00001; gnomAD exomes 0.00001; ExAC 0.00003.
gnomAD v4.1: 9 of 1,612,820 alleles (0.00056%); highest among the groups gnomAD compares: Admixed American, 0.0017%; no homozygotes.

Submission:

St. Jude Molecular Pathology, St. Jude Children's Research Hospital
Classification: Uncertain significance for Wilms tumor 1. Last evaluated: 2023-06-15. Review status: criteria provided, single submitter. Criteria: St. Jude Assertion Criteria 2020. Collection method: clinical testing. Allele origin: germline.
Comment: The TRIM28 c.2060C>G (p.Ala687Gly) missense change has a maximum subpopulation frequency of 0.002% in gnomAD v2.1.1. The in silico tool REVEL predicts a benign effect on protein function, but to our knowledge this prediction has not been confirmed by functional studies. To our knowledge, this variant has not been reported in individuals with a personal or family history of Wilms tumor. In summary, the evidence currently available is insufficient to determine the clinical significance of this variant. It has therefore been classified as of uncertain significance.

NM_005762.3(TRIM28):c.2060C>G (p.Ala687Gly)

Gene: TRIM28 (tripartite motif containing 28; plus strand). Cytogenetic location: 19q13.43.
Variant type: single nucleotide variant.
Coding change: c.2060C>G on transcript NM_005762.3 (MANE Select); coding-DNA position 2060, C replaced by G.
Protein change: p.Ala687Gly; replaces alanine 687 with glycine.
Molecular consequence: missense variant.
Genome position (GRCh38, 1-based): chr19:58,549,814, C>G. VCF-style: chr19-58549814-C-G. GRCh37 (hg19) VCF-style: chr19-59061181-C-G.
Other names: short protein forms A687G.
Identifiers: ClinVar variation 2577895 (VCV002577895.1), dbSNP rs746253186, ClinGen allele CA9719458.